The following is an entry in ClinVar:

NM_000435.3(NOTCH3):c.6643C>A (p.Pro2215Thr)

Gene: NOTCH3 (notch receptor 3; minus strand). Cytogenetic location: 19p13.12.
Variant type: single nucleotide variant.
Coding change: c.6643C>A on transcript NM_000435.3 (MANE Select); coding-DNA position 6643, C replaced by A.
Protein change: p.Pro2215Thr; replaces proline 2215 with threonine.
Molecular consequence: missense variant.
Genome position (GRCh38, 1-based): chr19:15,160,985, G>T on the plus strand (C>A on the coding strand, the complement: NOTCH3 is on the minus strand). VCF-style: chr19-15160985-G-T. GRCh37 (hg19) VCF-style: chr19-15271796-G-T.
Other names: short protein forms P2215T.
Identifiers: ClinVar variation 2114771 (VCV002114771.4), dbSNP rs774187286, ClinGen allele CA404487173.

ClinVar aggregate classification (germline): Uncertain significance (1 of 4 stars; one submission).

gnomAD v4.1: 2 of 1,563,742 alleles (0.00013%); highest among the groups gnomAD compares: Admixed American, 0.0019%; no homozygotes.

Submission:

Labcorp Genetics (formerly Invitae), Labcorp
Classification: Uncertain significance. Last evaluated: 2024-10-22. Review status: criteria provided, single submitter. Criteria: Invitae Variant Classification Sherloc (09022015). Collection method: clinical testing. Allele origin: germline.
Comment: This sequence change replaces proline, which is neutral and non-polar, with threonine, which is neutral and polar, at codon 2215 of the NOTCH3 protein (p.Pro2215Thr). The frequency data for this variant in the population databases is considered unreliable, as metrics indicate poor data quality at this position in the gnomAD database. This variant has not been reported in the literature in individuals affected with NOTCH3-related conditions. ClinVar contains an entry for this variant (Variation ID: 2114771). Invitae Evidence Modeling of protein sequence and biophysical properties (such as structural, functional, and spatial information, amino acid conservation, physicochemical variation, residue mobility, and thermodynamic stability) indicates that this missense variant is not expected to disrupt NOTCH3 protein function with a negative predictive value of 95%. In summary, the available evidence is currently insufficient to determine the role of this variant in disease. Therefore, it has been classified as a Variant of Uncertain Significance.